The following is an entry in ClinVar:

ClinVar aggregate classification (germline): Conflicting classifications of pathogenicity. Review status: criteria provided, conflicting classifications (1 of 4 stars). 5 submissions from 5 submitters: Uncertain significance (2); Likely benign (1). 2 of the submissions do not count toward it. Last evaluated 2025-09-02.

Conditions:
Epidermolysis bullosa dystrophica inversa, autosomal recessive. Identifiers: MedGen C2673612.
COL7A1-related disorder. Also called: COL7A1-related condition; COL7A1- related disorders.
Inborn genetic diseases. Identifiers: MedGen C0950123, MeSH D030342.

Allele frequency attached by ClinVar (database versions not stated): ExAC 0.00012; gnomAD exomes 0.00012; TOPMed 0.00036; ESP Exome Variant Server 0.00038; gnomAD 0.00041 and 0.00043; 1000 Genomes Project 0.00060; 1000 Genomes Project 30x 0.00062.
gnomAD v4.1: 113 of 1,613,962 alleles (0.007%); highest among the groups gnomAD compares: African/African-American, 0.12%; 1 homozygote.

Submissions (5):

Labcorp Genetics (formerly Invitae), Labcorp
Classification: Likely benign. Last evaluated: 2025-09-02. Review status: criteria provided, single submitter. Criteria: Invitae Variant Classification Sherloc (09022015). Collection method: clinical testing. Allele origin: germline.

Ambry Genetics
Classification: Uncertain significance for Inborn genetic diseases. Last evaluated: 2023-12-22. Review status: criteria provided, single submitter. Criteria: Ambry Variant Classification Scheme 2023. Collection method: clinical testing. Allele origin: germline.

GeneDx
Classification: Uncertain significance. Last evaluated: 2023-10-19. Review status: criteria provided, single submitter. Criteria: GeneDx Variant Classification Process June 2021. Collection method: clinical testing. Allele origin: germline. Affected: yes.
Comment: In silico analysis supports that this missense variant does not alter protein structure/function; Has not been previously published as pathogenic or benign to our knowledge

PreventionGenetics, part of Exact Sciences
Classification: Likely benign for COL7A1-related condition. Last evaluated: 2024-01-16. Review status: no assertion criteria provided. Collection method: clinical testing. Allele origin: germline. Not counted in ClinVar's aggregate classification.
Comment: This variant is classified as likely benign based on ACMG/AMP sequence variant interpretation guidelines (Richards et al. 2015 PMID: 25741868, with internal and published modifications).

Natera, Inc.
Classification: Benign for Autosomal recessive epidermolysis bullosa dystrophica inversa. Last evaluated: 2020-11-06. Review status: no assertion criteria provided. Collection method: clinical testing. Allele origin: germline. Not counted in ClinVar's aggregate classification.

NM_000094.4(COL7A1):c.1985A>G (p.Gln662Arg)

Gene: COL7A1 (collagen type VII alpha 1 chain; minus strand). Cytogenetic location: 3p21.31.
Variant type: single nucleotide variant.
Coding change: c.1985A>G on transcript NM_000094.4 (MANE Select); coding-DNA position 1985, A replaced by G.
Protein change: p.Gln662Arg; replaces glutamine 662 with arginine.
Molecular consequence: missense variant.
Genome position (GRCh38, 1-based): chr3:48,590,278, T>C on the plus strand (A>G on the coding strand, the complement: COL7A1 is on the minus strand). VCF-style: chr3-48590278-T-C. GRCh37 (hg19) VCF-style: chr3-48627711-T-C.
Other names: c.1985A>G (NM_000094.3); short protein forms Q662R.
Identifiers: ClinVar variation 990864 (VCV000990864.13), dbSNP rs139622306, ClinGen allele CA2381047.